The following is an entry in ClinVar:

ClinVar aggregate classification (germline): Pathogenic (1 of 4 stars; one submission).

Submission:

GeneDx
Classification: Pathogenic. Last evaluated: 2023-11-17. Review status: criteria provided, single submitter. Criteria: GeneDx Variant Classification Process June 2021. Collection method: clinical testing. Allele origin: germline. Affected: yes.
Comment: Nonsense variant predicted to result in protein truncation or nonsense mediated decay in a gene for which loss of function is a known mechanism of disease; Not observed at significant frequency in large population cohorts (gnomAD); This variant is associated with the following publications: (PMID: 25525159, 12219090, 36866619)

NM_006147.4(IRF6):c.352C>T (p.Gln118Ter)

Gene: IRF6 (interferon regulatory factor 6; minus strand). Cytogenetic location: 1q32.2.
Variant type: single nucleotide variant.
Coding change: c.352C>T on transcript NM_006147.4 (MANE Select); coding-DNA position 352, C replaced by T.
Protein change: p.Gln118Ter; replaces glutamine 118 with a stop codon.
Molecular consequence: nonsense.
Genome position (GRCh38, 1-based): chr1:209,796,375, G>A on the plus strand (C>T on the coding strand, the complement: IRF6 is on the minus strand). VCF-style: chr1-209796375-G-A. GRCh37 (hg19) VCF-style: chr1-209969720-G-A.
Other names: c.67C>T, p.Gln23Ter (NM_001206696.2); short protein forms Q118*, Q23*.
Identifiers: ClinVar variation 379310 (VCV000379310.3), dbSNP rs1057520569, ClinGen allele CA16603559.